The following is an entry in ClinVar:

ClinVar aggregate classification (germline): Likely benign (1 of 4 stars; one submission).

Conditions:
Autosomal recessive nonsyndromic hearing loss 2. Also called: DEAFNESS, AUTOSOMAL RECESSIVE 2; NEUROSENSORY NONSYNDROMIC RECESSIVE DEAFNESS 2. Identifiers: Orphanet 90636, MedGen C1838701, MONDO:0010807, OMIM 600060.
Autosomal dominant nonsyndromic hearing loss 11. Identifiers: Orphanet 90635, MedGen C1832475, MONDO:0011032, OMIM 601317.
Usher syndrome type 1 (USH1). Also called: RETINITIS PIGMENTOSA AND CONGENITAL DEAFNESS. Identifiers: Orphanet 231169, Orphanet 886, MedGen C1568247, MONDO:0010168, OMIM 276900.

Submission:

Juno Genomics, Hangzhou Juno Genomics, Inc
Classification: Likely benign for Usher syndrome type 1; Autosomal dominant nonsyndromic hearing loss 11; Autosomal recessive nonsyndromic hearing loss 2. Review status: criteria provided, single submitter. Criteria: ACMG Guidelines, 2015. Collection method: clinical testing. Allele origin: germline.
Comment: Absent from controls (or at extremely low frequency if recessive) in Genome Aggregation Database.;Multiple lines of computational evidence suggest no impact on gene or gene product.

NM_000260.4(MYO7A):c.2362G>C (p.Gly788Arg)

Gene: MYO7A (myosin VIIA; plus strand). Cytogenetic location: 11q13.5.
Variant type: single nucleotide variant.
Coding change: c.2362G>C on transcript NM_000260.4 (MANE Select); coding-DNA position 2362, G replaced by C.
Protein change: p.Gly788Arg; replaces glycine 788 with arginine.
Molecular consequence: missense variant.
Genome position (GRCh38, 1-based): chr11:77,179,124, G>C. VCF-style: chr11-77179124-G-C. GRCh37 (hg19) VCF-style: chr11-76890170-G-C.
Other names: c.2362G>C, p.Gly788Arg (NM_001127180.2); c.2329G>C, p.Gly777Arg (NM_001369365.1); short protein forms G788R, G777R.
Identifiers: ClinVar variation 5004993 (VCV005004993.2).